The following is an entry in ClinVar:

NM_000393.5(COL5A2):c.1402-2A>G

Gene: COL5A2 (collagen type V alpha 2 chain; minus strand). Cytogenetic location: 2q32.2.
Variant type: single nucleotide variant.
Coding change: c.1402-2A>G on transcript NM_000393.5 (MANE Select); the canonical splice acceptor site of the intron before coding-DNA position 1402, A replaced by G.
Molecular consequence: splice acceptor variant.
Genome position (GRCh38, 1-based): chr2:189,066,784, T>C on the plus strand (A>G on the coding strand, the complement: COL5A2 is on the minus strand). VCF-style: chr2-189066784-T-C. GRCh37 (hg19) VCF-style: chr2-189931510-T-C.
Identifiers: ClinVar variation 2001551 (VCV002001551.4), dbSNP rs2469307907, ClinGen allele CA349852503.

ClinVar aggregate classification (germline): Pathogenic (1 of 4 stars; one submission).

Conditions:
Ehlers-Danlos syndrome, classic type, 1 (EDSCL1). Also called: EHLERS-DANLOS SYNDROME, GRAVIS TYPE; EHLERS-DANLOS SYNDROME, SEVERE CLASSIC TYPE; Ehlers-Danlos syndrome, type 1; EDS I; Ehlers-Danlos Syndrome, Classic Type, COL5A1-Related. Identifiers: MedGen C0268335, MONDO:0019567, OMIM 130000.

Submission:

Labcorp Genetics (formerly Invitae), Labcorp
Classification: Pathogenic for Ehlers-Danlos syndrome, classic type, 1. Last evaluated: 2023-09-12. Review status: criteria provided, single submitter. Criteria: Invitae Variant Classification Sherloc (09022015). Collection method: clinical testing. Allele origin: germline.
Comment: For these reasons, this variant has been classified as Pathogenic. Algorithms developed to predict the effect of sequence changes on RNA splicing suggest that this variant may disrupt the consensus splice site. ClinVar contains an entry for this variant (Variation ID: 2001551). Disruption of this splice site has been observed in individual(s) with COL5A2-related conditions (Invitae). In at least one individual the variant was observed to be de novo. This variant is not present in population databases (gnomAD no frequency). This sequence change affects an acceptor splice site in intron 21 of the COL5A2 gene. It is expected to disrupt RNA splicing. Variants that disrupt the donor or acceptor splice site typically lead to a loss of protein function (PMID: 16199547), and loss-of-function variants in COL5A2 are known to be pathogenic (PMID: 23587214).

Literature cited by the submitters: PubMed 16199547; PubMed 23587214.